The following is an entry in ClinVar:

ClinVar aggregate classification (germline): Uncertain significance (1 of 4 stars; one submission).

Conditions:
Charcot-Marie-Tooth disease axonal type 2Z. Also called: CHARCOT-MARIE-TOOTH DISEASE, AXONAL, AUTOSOMAL DOMINANT, TYPE 2Z; CHARCOT-MARIE-TOOTH NEUROPATHY, TYPE 2Z. Identifiers: Orphanet 466768, MedGen C5569025, MONDO:0014736, OMIM 616688.

gnomAD v4.1: 2 of 1,613,848 alleles (0.00012%); highest among the groups gnomAD compares: South Asian, 0.0022%; no homozygotes.

Submission:

Neuberg Centre For Genomic Medicine, NCGM
Classification: Uncertain significance for Charcot-Marie-Tooth disease axonal type 2Z. Review status: criteria provided, single submitter. Criteria: ACMG Guidelines, 2015. Collection method: clinical testing. Allele origin: germline. Inheritance: Autosomal dominant inheritance. Affected: yes.
Comment: The missense variant p.E303V in MORC2 (NM_014941.3) has not been reported previously as a pathogenic variant nor as a benign variant, to our knowledge. The p.E303V variant is novel (not in any individuals) in gnomAD Exomes and is novel (not in any individuals) in 1000 Genomes. There is a moderate physicochemical difference between glutamic acid and valine. The p.E303V missense variant is predicted to be damaging by both SIFT and PolyPhen2. The glutamic acid residue at codon 303 of MORC2 is conserved in all mammalian species. The nucleotide c.908 in MORC2 is predicted conserved by GERP++ and PhyloP across 100 vertebrates. For these reasons, this variant has been classified as Uncertain Significance.

NM_001303256.3(MORC2):c.1094A>T (p.Glu365Val)

Gene: MORC2 (MORC family CW-type zinc finger 2; minus strand). Cytogenetic location: 22q12.2.
Variant type: single nucleotide variant.
Coding change: c.1094A>T on transcript NM_001303256.3 (MANE Select); coding-DNA position 1094, A replaced by T.
Protein change: p.Glu365Val; replaces glutamic acid 365 with valine.
Molecular consequence: missense variant.
Genome position (GRCh38, 1-based): chr22:30,938,185, T>A on the plus strand (A>T on the coding strand, the complement: MORC2 is on the minus strand). VCF-style: chr22-30938185-T-A. GRCh37 (hg19) VCF-style: chr22-31334172-T-A.
Other names: c.1094A>T, p.Glu365Val (NM_001303257.2); c.908A>T, p.Glu303Val (NM_014941.3); short protein forms E303V, E365V.
Identifiers: ClinVar variation 2627388 (VCV002627388.1), dbSNP rs2517591207, ClinGen allele CA411239554.